The following is an entry in ClinVar:

NM_001184900.3(CARD8):c.1483C>T (p.Arg495Trp)

Gene: CARD8 (caspase recruitment domain family member 8; minus strand). Cytogenetic location: 19q13.33.
Variant type: single nucleotide variant.
Coding change: c.1483C>T on transcript NM_001184900.3 (MANE Select); coding-DNA position 1483, C replaced by T.
Protein change: p.Arg495Trp; replaces arginine 495 with tryptophan.
Molecular consequence: missense variant. On other transcripts: 3 prime UTR variant (7), non-coding transcript variant (3), intron variant (1).
Genome position (GRCh38, 1-based): chr19:48,211,841, G>A on the plus strand (C>T on the coding strand, the complement: CARD8 is on the minus strand). VCF-style: chr19-48211841-G-A. GRCh37 (hg19) VCF-style: chr19-48715098-G-A.
Other names: c.1333C>T, p.Arg445Trp (NM_001184901.1, NM_001351783.2, NM_014959.5); c.*162C>T (NM_001184902.2, NM_001184903.1, NM_001351788.2 and 4 more transcripts); c.1483C>T, p.Arg495Trp (NM_001351782.2); c.1168C>T, p.Arg390Trp (NM_001351784.2); c.1147C>T, p.Arg383Trp (NM_001351786.2); c.1165C>T, p.Arg389Trp (NM_001365950.1); c.1033+3499C>T (NM_001351787.2); short protein forms R390W, R445W, R389W, R383W, R495W.
Identifiers: ClinVar variation 1429127 (VCV001429127.6), dbSNP rs146657505, ClinGen allele CA9547682.

ClinVar aggregate classification (germline): Uncertain significance (1 of 4 stars; one submission).

Allele frequency attached by ClinVar (database versions not stated): ExAC 0.00004; TOPMed 0.00006; ESP Exome Variant Server 0.00008; gnomAD 0.00010 and 0.00011; 1000 Genomes Project 30x 0.00016; 1000 Genomes Project 0.00020.
gnomAD v4.1: 108 of 1,614,076 alleles (0.0067%); highest among the groups gnomAD compares: Admixed American, 0.028%; no homozygotes.

Submission:

Labcorp Genetics (formerly Invitae), Labcorp
Classification: Uncertain significance. Last evaluated: 2026-01-03. Review status: criteria provided, single submitter. Criteria: Invitae Variant Classification Sherloc (09022015). Collection method: clinical testing. Allele origin: germline.
Comment: This sequence change replaces arginine, which is basic and polar, with tryptophan, which is neutral and slightly polar, at codon 445 of the CARD8 protein (p.Arg445Trp). This variant is present in population databases (rs146657505, gnomAD 0.02%). This variant has not been reported in the literature in individuals affected with CARD8-related conditions. ClinVar contains an entry for this variant (Variation ID: 1429127). An algorithm developed to predict the effect of missense changes on protein structure and function outputs the following: PolyPhen-2: "Probably Damaging". The tryptophan amino acid residue is found in multiple mammalian species, which suggests that this missense change does not adversely affect protein function. In summary, the available evidence is currently insufficient to determine the role of this variant in disease. Therefore, it has been classified as a Variant of Uncertain Significance.